The following is an entry in ClinVar:

ClinVar aggregate classification (germline): Uncertain significance (1 of 4 stars; one submission).

gnomAD v4.1: 1 of 1,609,514 alleles (0.000062%); highest among the groups gnomAD compares: Non-Finnish European, 0.000085%; no homozygotes.

Submission:

Labcorp Genetics (formerly Invitae), Labcorp
Classification: Uncertain significance. Last evaluated: 2026-01-12. Review status: criteria provided, single submitter. Criteria: Invitae Variant Classification Sherloc (09022015). Collection method: clinical testing. Allele origin: germline.
Comment: This sequence change replaces threonine, which is neutral and polar, with alanine, which is neutral and non-polar, at codon 532 of the SUCO protein (p.Thr532Ala). This variant is not present in population databases (gnomAD no frequency). This variant has not been reported in the literature in individuals affected with SUCO-related conditions. An algorithm developed to predict the effect of missense changes on protein structure and function (PolyPhen-2) suggests that this variant is likely to be tolerated. In summary, the available evidence is currently insufficient to determine the role of this variant in disease. Therefore, it has been classified as a Variant of Uncertain Significance.

NM_014283.5(SUCO):c.1594A>G (p.Thr532Ala)

Gene: SUCO (SUN domain containing ossification factor; plus strand). Cytogenetic location: 1q24.3.
Variant type: single nucleotide variant.
Coding change: c.1594A>G on transcript NM_014283.5 (MANE Select); coding-DNA position 1594, A replaced by G.
Protein change: p.Thr532Ala; replaces threonine 532 with alanine.
Molecular consequence: missense variant. On other transcripts: intron variant (1).
Genome position (GRCh38, 1-based): chr1:172,585,884, A>G. VCF-style: chr1-172585884-A-G. GRCh37 (hg19) VCF-style: chr1-172555024-A-G.
Other names: c.1483A>G, p.Thr495Ala (NM_001282750.2); c.2047A>G, p.Thr683Ala (NM_016227.4); c.-31-2876A>G (NM_001282751.2); short protein forms T495A, T532A, T683A.
Identifiers: ClinVar variation 4734606 (VCV004734606.1).